The following is an entry in ClinVar:

NM_000223.4(KRT12):c.385A>G (p.Met129Val)

Gene: KRT12 (keratin 12; minus strand). Cytogenetic location: 17q21.2.
Variant type: single nucleotide variant.
Coding change: c.385A>G on transcript NM_000223.4 (MANE Select); coding-DNA position 385, A replaced by G.
Protein change: p.Met129Val; replaces methionine 129 with valine.
Molecular consequence: missense variant.
Genome position (GRCh38, 1-based): chr17:40,866,802, T>C on the plus strand (A>G on the coding strand, the complement: KRT12 is on the minus strand). VCF-style: chr17-40866802-T-C. GRCh37 (hg19) VCF-style: chr17-39023054-T-C.
Other names: short protein forms M129V.
Identifiers: ClinVar variation 66122 (VCV000066122.5), dbSNP rs267607387, ClinGen allele CA216511.

ClinVar aggregate classification (germline): Pathogenic/Likely pathogenic. Review status: criteria provided, multiple submitters, no conflicts (2 of 4 stars). 3 submissions from 3 submitters: Pathogenic (1); Likely pathogenic (1). 1 of the submissions does not count toward it. Last evaluated 2024-03-26.

Conditions:
Inborn genetic diseases. Identifiers: MedGen C0950123, MeSH D030342.

Submissions (3):

GeneDx
Classification: Pathogenic. Last evaluated: 2024-03-26. Review status: criteria provided, single submitter. Criteria: GeneDx Variant Classification Process June 2021. Collection method: clinical testing. Allele origin: germline. Affected: yes.
Comment: Located in the highly conserved helix initiation motif of the alpha-helical rod domain, which is intolerant to change; variants in this motif interfere with proper keratin intermediate filament assembly and function, damaging the structural integrity of corneal epithelial cells, resulting in corneal dystrophy (PMID: 20577595, 26758872); Not observed at significant frequency in large population cohorts (gnomAD); In silico analysis supports that this missense variant has a deleterious effect on protein structure/function; This variant is associated with the following publications: (PMID: 20577595, 26758872)

Ambry Genetics
Classification: Likely pathogenic for Inborn genetic diseases. Last evaluated: 2017-02-22. Review status: criteria provided, single submitter. Criteria: Ambry exome assertion method (8-5-2015). Collection method: clinical testing. Allele origin: germline. Affected: yes. Observed: 1 variant allele.

Epithelial Biology;  Institute of Medical Biology, Singapore
No classification provided. Review status: no classification provided. Collection method: not provided. Allele origin: not provided. Not counted in ClinVar's aggregate classification.

Literature cited by the submitters: PubMed 20577595 (cited by Ambry Genetics).